The following is an entry in ClinVar:

ClinVar aggregate classification (germline): Uncertain significance (1 of 4 stars; one submission).

Conditions:
Familial thoracic aortic aneurysm and aortic dissection (TAAD). Also called: Thoracic aortic aneurysms and dissections. Identifiers: Orphanet 91387, MedGen C4707243, MONDO:0019625.

Submission:

Color Diagnostics, LLC DBA Color Health
Classification: Uncertain significance for Familial thoracic aortic aneurysm and aortic dissection. Last evaluated: 2018-10-19. Review status: criteria provided, single submitter. Criteria: ACMG Guidelines, 2015. Collection method: clinical testing. Allele origin: germline.
Comment: Variant of Uncertain Significance due to insufficient evidence: This intronic variant is located close to intron 39 canonical splice donor site of the COL3A1 gene. Computational splicing tools suggest that this variant may have significant impact on RNA splicing. To our knowledge, RNA studies have not been performed for this variant to confirm the prediction, nor has this variant been reported in individuals affected with cardiovascular disorders in the literature. This variant is rare in the general population and has been identified in 0/277264 chromosomes by the Genome Aggregation Database (gnomAD). Available evidence is insufficient to determine the pathogenicity of this variant conclusively.

NM_000090.4(COL3A1):c.2823+5G>C

Gene: COL3A1 (collagen type III alpha 1 chain; plus strand). Cytogenetic location: 2q32.2.
Variant type: single nucleotide variant.
Coding change: c.2823+5G>C on transcript NM_000090.4 (MANE Select); 5 bases into the intron after coding-DNA position 2823, G replaced by C.
Molecular consequence: intron variant.
Genome position (GRCh38, 1-based): chr2:189,004,148, G>C. VCF-style: chr2-189004148-G-C. GRCh37 (hg19) VCF-style: chr2-189868874-G-C.
Identifiers: ClinVar variation 629711 (VCV000629711.2), dbSNP rs1559060755, ClinGen allele CA913187997.
Genomic context (GRCh38, chr2:189,004,148, plus strand): 5'-AAGGTGATGCTGGCCAACCAGGAGAGAAGGGATCGCCTGGTGCCCAGGGCCCACCAGTAA[G>C]TAACTTCATTTTTTTAAATTGATTCTACTATTTTGATTTTTATCACAAATCGATTAGAGA-3'